The following is an entry in ClinVar:

NM_007194.4(CHEK2):c.444+2T>A

Gene: CHEK2 (checkpoint kinase 2; minus strand). Cytogenetic location: 22q12.1.
Variant type: single nucleotide variant.
Coding change: c.444+2T>A on transcript NM_007194.4 (MANE Select); the canonical splice donor site of the intron after coding-DNA position 444, T replaced by A.
Molecular consequence: splice donor variant.
Genome position (GRCh38, 1-based): chr22:28,725,241, A>T on the plus strand (T>A on the coding strand, the complement: CHEK2 is on the minus strand). VCF-style: chr22-28725241-A-T. GRCh37 (hg19) VCF-style: chr22-29121229-A-T.
Other names: c.-220+2T>A (NM_001437942.1); c.444+2T>A (NM_001349956.3, NM_145862.3); c.-334+2T>A (NM_001257387.3); c.537+2T>A (NM_001438295.1, NM_001438293.1); c.573+2T>A (NM_001438294.1, NM_001005735.3).
Identifiers: ClinVar variation 3266953 (VCV003266953.1), dbSNP rs560596101.

ClinVar aggregate classification (germline): Likely pathogenic (1 of 4 stars; one submission).

Conditions:
Hereditary cancer-predisposing syndrome. Also called: Hereditary Cancer Syndrome; Tumor predisposition; Hereditary neoplastic syndrome; Neoplastic Syndromes, Hereditary. Identifiers: Orphanet 140162, MedGen C0027672, MeSH D009386, MONDO:0015356.

Submission:

Ambry Genetics
Classification: Likely pathogenic for Hereditary cancer-predisposing syndrome. Last evaluated: 2024-04-22. Review status: criteria provided, single submitter. Criteria: Ambry Variant Classification Scheme 2023. Collection method: clinical testing. Allele origin: germline.
Comment: The c.444+2T>A intronic variant results from a T to A substitution two nucleotides after coding exon 2 in the CHEK2 gene. This variant has been reported in a cohort of individuals undergoing multi-gene panel testing for hereditary cancer (Sutcliffe EG et al. Cancer Genet, 2020 Aug;246-247:12-17). This nucleotide position is highly conserved in available vertebrate species. In silico splice site analysis predicts that this alteration will weaken the native splice donor site and will result in the creation or strengthening of a novel splice donor site; however, direct evidence is insufficient at this time (Ambry internal data). This variant is considered to be rare based on population cohorts in the Genome Aggregation Database (gnomAD). Alterations that disrupt the canonical splice site are expected to cause aberrant splicing, resulting in an abnormal protein or a transcript that is subject to nonsense-mediated mRNA decay. As such, this alteration is classified as likely pathogenic.

Literature cited by the submitters: PubMed 32805687.